The following is an entry in ClinVar:

ClinVar aggregate classification (germline): Pathogenic (1 of 4 stars; one submission).

Conditions:
Combined oxidative phosphorylation defect type 14. Also called: Combined oxidative phosphorylation deficiency 14. Identifiers: Orphanet 319519, MedGen C4755312, MONDO:0013986, OMIM 614946.

Submission:

Labcorp Genetics (formerly Invitae), Labcorp
Classification: Pathogenic for Combined oxidative phosphorylation defect type 14. Last evaluated: 2023-08-17. Review status: criteria provided, single submitter. Criteria: Invitae Variant Classification Sherloc (09022015). Collection method: clinical testing. Allele origin: germline.
Comment: This variant has not been reported in the literature in individuals affected with FARS2-related conditions. For these reasons, this variant has been classified as Pathogenic. This variant results in the deletion of exon 2 and part of exon 3 (c.-21-29522_672del) of the FARS2 gene. It is expected to result in an absent or disrupted protein product. Loss-of-function variants in FARS2 are known to be pathogenic (PMID: 22833457).

Literature cited by the submitters: PubMed 22833457.

NC_000006.11:g.(?_5339261)_(5404834_?)del

Gene: FARS2 (phenylalanyl-tRNA synthetase 2, mitochondrial; plus strand). Cytogenetic location: 6p25.1.
Variant type: Deletion.
Identifiers: ClinVar variation 1450690 (VCV001450690.5).